The following is an entry in ClinVar:

ClinVar aggregate classification (germline): Uncertain significance. Review status: criteria provided, multiple submitters, no conflicts (2 of 4 stars). 9 submissions from 8 submitters: Uncertain significance (5). 4 of the submissions do not count toward it. Last evaluated 2024-10-28.

Conditions:
Intellectual disability. Also called: Intellectual functioning disability; Intellectual developmental disorder; intellectual disabilities. Identifiers: MedGen C3714756, MeSH D008607, MONDO:0001071, HP:0001249.
Asphyxiating thoracic dystrophy 5 (SRTD5). Also called: SHORT-RIB THORACIC DYSPLASIA 5 WITH OR WITHOUT POLYDACTYLY; SHORT-RIB THORACIC DYSPLASIA 5 WITHOUT POLYDACTYLY. Identifiers: Orphanet 474, MedGen C3280598, MONDO:0013717, OMIM 614376.
Nephronophthisis 13 (NPHP13). Identifiers: Orphanet 655, MedGen C3280612, MONDO:0013718, OMIM 614377.
Cranioectodermal dysplasia 4 (CED4). Identifiers: Orphanet 1515, MedGen C3280616, MONDO:0013719, OMIM 614378.
Senior-Loken syndrome 8 (SLSN8). Identifiers: Orphanet 3156, MedGen C4225376, MONDO:0014579, OMIM 616307.
Spermatogenic failure 72 (SPGF72). Identifiers: MedGen C5676980, MONDO:0030809, OMIM 619867.
Retinal dystrophy. Also called: Inherited retinal dystrophy. Identifiers: Orphanet 71862, MedGen C0854723, MeSH D058499, MONDO:0019118, HP:0000556.

Allele frequency attached by ClinVar (database versions not stated): ExAC 0.00010; gnomAD 0.00010 and 0.00011; ESP Exome Variant Server 0.00016; TOPMed 0.00019; 1000 Genomes Project 30x 0.00047; 1000 Genomes Project 0.00060.
gnomAD v4.1: 183 of 1,613,668 alleles (0.011%); highest among the groups gnomAD compares: Middle Eastern, 0.033%; no homozygotes.

Submissions (9):

Blueprint Genetics
Classification: Uncertain significance. Last evaluated: 2024-10-28. Review status: criteria provided, single submitter. Criteria: ACMG Guidelines, 2015. Collection method: clinical testing. Allele origin: germline.

Fulgent Genetics
Classification: Uncertain significance for Asphyxiating thoracic dystrophy 5; Nephronophthisis 13; Cranioectodermal dysplasia 4; Senior-Loken syndrome 8; Spermatogenic failure 72. Last evaluated: 2024-05-02. Review status: criteria provided, single submitter. Criteria: ACMG Guidelines, 2015. Collection method: clinical testing. Allele origin: germline.

Labcorp Genetics (formerly Invitae), Labcorp
Classification: Uncertain significance for Senior-Loken syndrome 8; Asphyxiating thoracic dystrophy 5. Last evaluated: 2022-11-01. Review status: criteria provided, single submitter. Criteria: Invitae Variant Classification Sherloc (09022015). Collection method: clinical testing. Allele origin: germline.
Comment: This sequence change replaces aspartic acid, which is acidic and polar, with valine, which is neutral and non-polar, at codon 355 of the WDR19 protein (p.Asp355Val). This variant is present in population databases (rs192495145, gnomAD 0.02%). This variant has not been reported in the literature in individuals affected with WDR19-related conditions. ClinVar contains an entry for this variant (Variation ID: 348729). Advanced modeling of protein sequence and biophysical properties (such as structural, functional, and spatial information, amino acid conservation, physicochemical variation, residue mobility, and thermodynamic stability) performed at Invitae indicates that this missense variant is not expected to disrupt WDR19 protein function. In summary, the available evidence is currently insufficient to determine the role of this variant in disease. Therefore, it has been classified as a Variant of Uncertain Significance.

Illumina Laboratory Services, Illumina
Classification: Uncertain significance for Cranioectodermal dysplasia 4. Last evaluated: 2018-01-13. Review status: criteria provided, single submitter. Criteria: ICSL Variant Classification Criteria 13 December 2019. Collection method: clinical testing. Allele origin: germline.

Illumina Laboratory Services, Illumina
Classification: Uncertain significance for Asphyxiating thoracic dystrophy 5. Last evaluated: 2018-01-13. Review status: criteria provided, single submitter. Criteria: ICSL Variant Classification Criteria 13 December 2019. Collection method: clinical testing. Allele origin: germline.

Institute of Human Genetics, Univ. Regensburg, Univ. Regensburg
Classification: Uncertain significance for Retinal dystrophy. Last evaluated: 2022-01-01. Review status: no assertion criteria provided. Criteria: ACMG Guidelines, 2015. Collection method: clinical testing. Allele origin: germline. Affected: yes. Not counted in ClinVar's aggregate classification.

Centre de Biologie Pathologie Génétique, Centre Hospitalier Universitaire de Lille
Classification: Uncertain significance for Intellectual disability. Last evaluated: 2019-01-01. Review status: no assertion criteria provided. Collection method: clinical testing. Allele origin: unknown. Affected: yes. Not counted in ClinVar's aggregate classification.

Clinical Genetics DNA and cytogenetics Diagnostics Lab, Erasmus MC, Erasmus Medical Center
Classification: Likely benign. Review status: no assertion criteria provided. Collection method: clinical testing. Allele origin: germline. Affected: yes. Study: VKGL Data-share Consensus. Not counted in ClinVar's aggregate classification.

Laboratory of Diagnostic Genome Analysis, Leiden University Medical Center (LUMC)
Classification: Likely benign. Review status: no assertion criteria provided. Collection method: clinical testing. Allele origin: germline. Affected: yes. Study: VKGL Data-share Consensus. Not counted in ClinVar's aggregate classification.

NM_025132.4(WDR19):c.1064A>T (p.Asp355Val)

Gene: WDR19 (WD repeat domain 19; plus strand). Cytogenetic location: 4p14.
Variant type: single nucleotide variant.
Coding change: c.1064A>T on transcript NM_025132.4 (MANE Select); coding-DNA position 1064, A replaced by T.
Protein change: p.Asp355Val; replaces aspartic acid 355 with valine.
Molecular consequence: missense variant.
Genome position (GRCh38, 1-based): chr4:39,215,943, A>T. VCF-style: chr4-39215943-A-T. GRCh37 (hg19) VCF-style: chr4-39217563-A-T.
Other names: c.584A>T, p.Asp195Val (NM_001317924.2); short protein forms D355V, D195V.
Identifiers: ClinVar variation 348729 (VCV000348729.16), dbSNP rs192495145, ClinGen allele CA2891769.